The following is an entry in ClinVar:

ClinVar aggregate classification (germline): Likely benign (1 of 4 stars; one submission).

Conditions:
Rubinstein-Taybi syndrome due to EP300 haploinsufficiency. Also called: RUBINSTEIN-TAYBI SYNDROME 2; EP300-Related Rubinstein-Taybi Syndrome. Identifiers: Orphanet 353284, Orphanet 783, MedGen C3150941, MONDO:0013364, OMIM 613684.

gnomAD v4.1: 3 of 1,614,114 alleles (0.00019%); highest among the groups gnomAD compares: South Asian, 0.0033%; no homozygotes.

Submission:

Centre for Medical Genetics,  Mumbai
Classification: Likely benign for Rubinstein-Taybi syndrome due to EP300 haploinsufficiency. Last evaluated: 2026-04-07. Review status: criteria provided, single submitter. Criteria: ACMG Guidelines, 2015. Collection method: provider interpretation. Allele origin: germline. Inheritance: Autosomal dominant inheritance. Affected: no. Observed: 1 variant allele, 1 heterozygote.
Comment: The variant satisfies PM2 criteria - extremely low frequency in gnomAD population databases. However, the variant satisfies BS2 criteria - present in heterozygous state in an individual that clinically does not have Rubinstein-Taybi syndrome.

Literature cited by the submitters: PubMed 15706485.

NM_001429.4(EP300):c.6124A>C (p.Lys2042Gln)

Gene: EP300 (EP300 lysine acetyltransferase; plus strand). Cytogenetic location: 22q13.2.
Variant type: single nucleotide variant.
Coding change: c.6124A>C on transcript NM_001429.4 (MANE Select); coding-DNA position 6124, A replaced by C.
Protein change: p.Lys2042Gln; replaces lysine 2042 with glutamine.
Molecular consequence: missense variant.
Genome position (GRCh38, 1-based): chr22:41,177,835, A>C. VCF-style: chr22-41177835-A-C. GRCh37 (hg19) VCF-style: chr22-41573839-A-C.
Other names: c.6046A>C, p.Lys2016Gln (NM_001362843.2); short protein forms K2016Q, K2042Q.
Identifiers: ClinVar variation 4851331 (VCV004851331.1).